The following is an entry in ClinVar:

NM_152564.5(VPS13B):c.1915C>G (p.Arg639Gly)

Gene: VPS13B (vacuolar protein sorting 13 homolog B; plus strand). Cytogenetic location: 8q22.2.
Variant type: single nucleotide variant.
Coding change: c.1915C>G on transcript NM_152564.5 (MANE Select); coding-DNA position 1915, C replaced by G.
Protein change: p.Arg639Gly; replaces arginine 639 with glycine.
Molecular consequence: missense variant.
Genome position (GRCh38, 1-based): chr8:99,147,912, C>G. VCF-style: chr8-99147912-C-G. GRCh37 (hg19) VCF-style: chr8-100160140-C-G.
Other names: c.1915C>G, p.Arg639Gly (NM_015243.3, NM_017890.5); short protein forms R639G.
Identifiers: ClinVar variation 4840099 (VCV004840099.1).

ClinVar aggregate classification (germline): Uncertain significance (1 of 4 stars; one submission).

Conditions:
Inborn genetic diseases. Identifiers: MedGen C0950123, MeSH D030342.

gnomAD v4.1: 2 of 1,613,216 alleles (0.00012%); highest among the groups gnomAD compares: South Asian, 0.0022%; no homozygotes.

Submission:

Ambry Genetics
Classification: Uncertain significance for Inborn genetic diseases. Last evaluated: 2026-02-17. Review status: criteria provided, single submitter. Criteria: Ambry Variant Classification Scheme 2023. Collection method: clinical testing. Allele origin: germline.
Comment: The c.1915C>G (p.R639G) alteration is located in exon 14 (coding exon 13) of the VPS13B gene. This alteration results from a C to G substitution at nucleotide position 1915, causing the arginine (R) at amino acid position 639 to be replaced by a glycine (G). Based on data from gnomAD, the G allele has an overall frequency of <0.001% (1/251256) total alleles studied. The highest observed frequency was 0.003% (1/30574) of South Asian alleles. Based on insufficient or conflicting evidence, the clinical significance of this alteration remains unclear.